The following is an entry in ClinVar:

NM_001166108.2(PALLD):c.1445A>C (p.Gln482Pro)

Gene: PALLD (palladin, cytoskeletal associated protein; plus strand). Cytogenetic location: 4q32.3.
Variant type: single nucleotide variant.
Coding change: c.1445A>C on transcript NM_001166108.2 (MANE Select); coding-DNA position 1445, A replaced by C.
Protein change: p.Gln482Pro; replaces glutamine 482 with proline.
Molecular consequence: missense variant.
Genome position (GRCh38, 1-based): chr4:168,690,712, A>C. VCF-style: chr4-168690712-A-C. GRCh37 (hg19) VCF-style: chr4-169611863-A-C.
Other names: c.299A>C, p.Gln100Pro (NM_001166109.2); c.1445A>C, p.Gln482Pro (NM_016081.4); short protein forms Q482P, Q100P.
Identifiers: ClinVar variation 2624850 (VCV002624850.2), dbSNP rs2531651913, ClinGen allele CA358795973.

ClinVar aggregate classification (germline): Uncertain significance (1 of 4 stars; one submission).

Allele frequency attached by ClinVar (database versions not stated): gnomAD exomes below 0.00001.
gnomAD v4.1: 4 of 1,614,188 alleles (0.00025%); highest among the groups gnomAD compares: Non-Finnish European, 0.00034%; no homozygotes.

Submission:

Ambry Genetics
Classification: Uncertain significance. Last evaluated: 2023-07-05. Review status: criteria provided, single submitter. Criteria: Ambry Variant Classification Scheme 2023. Collection method: clinical testing. Allele origin: germline.
Comment: The p.Q482P variant (also known as c.1445A>C), located in coding exon 6 of the PALLD gene, results from an A to C substitution at nucleotide position 1445. The glutamine at codon 482 is replaced by proline, an amino acid with similar properties. This amino acid position is conserved. In addition, the in silico prediction for this alteration is inconclusive. Since supporting evidence is limited at this time, the clinical significance of this alteration remains unclear.